The following is an entry in ClinVar:

NM_000218.3(KCNQ1):c.1393+19609C>T

Genes: KCNQ1 (potassium voltage-gated channel subfamily Q member 1; plus strand), KCNQ1OT1 (KCNQ1 opposite strand/antisense transcript 1; minus strand). Cytogenetic location: 11p15.5.
Variant type: single nucleotide variant.
Coding change: c.1393+19609C>T on transcript NM_000218.3 (MANE Select); 19609 bases into the intron after coding-DNA position 1393, C replaced by T.
Molecular consequence: intron variant. On other transcripts: non-coding transcript variant (1).
Genome position (GRCh38, 1-based): chr11:2,608,463, C>T. VCF-style: chr11-2608463-C-T. GRCh37 (hg19) VCF-style: chr11-2629693-C-T.
Other names: c.1123+19609C>T (NM_001406837.1); c.1297+19609C>T (NM_001406836.1); c.853+19609C>T (NM_001406838.1); c.1012+19609C>T (NM_181798.2).
Identifiers: ClinVar variation 5039564 (VCV005039564.1).
Genomic context (GRCh38, chr11:2,608,463, plus strand): 5'-ATTGTTCATAGTGTTCCTTCATAATCCTTTTTATTTCTGTCAGGTTGGTAGTATACTTCC[C>T]TCATTCATTCCTTTTTCCTTTTCTTTTTGAGAAACAGAGTCTCTCTCTGTTGCCCAGGCT-3'

ClinVar aggregate classification (germline): Likely benign (1 of 4 stars; one submission).

gnomAD v4.1: 62 of 398,426 alleles (0.016%); highest among the groups gnomAD compares: Non-Finnish European, 0.024%; no homozygotes.

Submission:

CeGaT Center for Human Genetics Tuebingen
Classification: Likely benign. Last evaluated: 2026-09-01. Review status: criteria provided, single submitter. Criteria: CeGaT Center For Human Genetics Tuebingen Variant Classification Criteria Version 2. Collection method: clinical testing. Allele origin: germline. Affected: yes. Observed: 2 variant alleles.
Comment: KCNQ1OT1: BS2